The following is an entry in ClinVar:

ClinVar aggregate classification (germline): Uncertain significance. Review status: criteria provided, multiple submitters, no conflicts (2 of 4 stars). 4 submissions from 4 submitters: Uncertain significance (4). Last evaluated 2026-08-20.

Conditions:
Retinitis pigmentosa 80 (RP80). Identifiers: MedGen C4540439, MONDO:0054708, OMIM 617781.
Saldino-Mainzer syndrome (SRTD9). Also called: CONORENAL SYNDROME; SHORT-RIB THORACIC DYSPLASIA 9 WITHOUT POLYDACTYLY; Renal dysplasia, retinal pigmentary dystrophy, cerebellar ataxia and skeletal dysplasia; short-rib thoracic dysplasia 9 with or without polydactyly. Identifiers: Orphanet 140969, MedGen C1849437, MONDO:0009964, OMIM 266920.
IFT140-related disorder. Also called: IFT140-related condition.

Allele frequency attached by ClinVar (database versions not stated): gnomAD exomes 0.00001 and 0.00003; ExAC 0.00004; gnomAD 0.00010; TOPMed 0.00012; ESP Exome Variant Server 0.00015.
gnomAD v4.1: 37 of 1,613,580 alleles (0.0023%); highest among the groups gnomAD compares: African/African-American, 0.035%; no homozygotes.

Submissions (4):

PreventionGenetics, part of Exact Sciences
Classification: Uncertain significance for IFT140-related condition. Last evaluated: 2026-08-20. Review status: criteria provided, single submitter. Criteria: ACMG Guidelines, 2015. Collection method: clinical testing. Allele origin: germline.
Comment: The IFT140 c.823G>A variant is predicted to result in the amino acid substitution p.Gly275Arg. This variant was reported in a large cohort of individuals with retinitis pigmentosa (supplementary data, Gao et al. 2019. PubMed ID: 31054281). This variant is reported in 0.020% of alleles in individuals of African descent in gnomAD. At this time, the clinical significance of this variant is uncertain due to the absence of conclusive functional and genetic evidence.

Labcorp Genetics (formerly Invitae), Labcorp
Classification: Uncertain significance for Saldino-Mainzer syndrome. Last evaluated: 2025-12-02. Review status: criteria provided, single submitter. Criteria: Invitae Variant Classification Sherloc (09022015). Collection method: clinical testing. Allele origin: germline.
Comment: This sequence change replaces glycine, which is neutral and non-polar, with arginine, which is basic and polar, at codon 275 of the IFT140 protein (p.Gly275Arg). This variant is present in population databases (rs146163533, gnomAD 0.02%). This variant has not been reported in the literature in individuals affected with IFT140-related conditions. ClinVar contains an entry for this variant (Variation ID: 834864). Invitae Evidence Modeling of protein sequence and biophysical properties (such as structural, functional, and spatial information, amino acid conservation, physicochemical variation, residue mobility, and thermodynamic stability) has been performed for this missense variant. However, the output from this modeling did not meet the statistical confidence thresholds required to predict the impact of this variant on IFT140 protein function. In summary, the available evidence is currently insufficient to determine the role of this variant in disease. Therefore, it has been classified as a Variant of Uncertain Significance.

Fulgent Genetics
Classification: Uncertain significance for Saldino-Mainzer syndrome; Retinitis pigmentosa 80. Last evaluated: 2021-11-10. Review status: criteria provided, single submitter. Criteria: ACMG Guidelines, 2015. Collection method: clinical testing. Allele origin: unknown.

Blueprint Genetics
Classification: Uncertain significance. Last evaluated: 2019-09-14. Review status: criteria provided, single submitter. Criteria: ACMG Guidelines, 2015. Collection method: clinical testing. Allele origin: germline.

NM_014714.4(IFT140):c.823G>A (p.Gly275Arg)

Genes: IFT140 (intraflagellar transport 140; minus strand), LOC105371046 (uncharacterized LOC105371046; plus strand). Cytogenetic location: 16p13.3.
Variant type: single nucleotide variant.
Coding change: c.823G>A on transcript NM_014714.4 (MANE Select); coding-DNA position 823, G replaced by A.
Protein change: p.Gly275Arg; replaces glycine 275 with arginine.
Molecular consequence: missense variant.
Genome position (GRCh38, 1-based): chr16:1,588,012, C>T on the plus strand (G>A on the coding strand, the complement: IFT140 is on the minus strand). VCF-style: chr16-1588012-C-T. GRCh37 (hg19) VCF-style: chr16-1638013-C-T.
Other names: short protein forms G275R.
Identifiers: ClinVar variation 834864 (VCV000834864.11), dbSNP rs146163533, ClinGen allele CA7814544.